The following is an entry in ClinVar:

NM_006059.4(LAMC3):c.2537G>A (p.Cys846Tyr)

Gene: LAMC3 (laminin subunit gamma 3; plus strand). Cytogenetic location: 9q34.12.
Variant type: single nucleotide variant.
Coding change: c.2537G>A on transcript NM_006059.4 (MANE Select); coding-DNA position 2537, G replaced by A.
Protein change: p.Cys846Tyr; replaces cysteine 846 with tyrosine.
Molecular consequence: missense variant.
Genome position (GRCh38, 1-based): chr9:131,067,149, G>A. VCF-style: chr9-131067149-G-A. GRCh37 (hg19) VCF-style: chr9-133942536-G-A.
Other names: short protein forms C846Y.
Identifiers: ClinVar variation 1430605 (VCV001430605.8), dbSNP rs766570621, ClinGen allele CA5287465.

ClinVar aggregate classification (germline): Uncertain significance (1 of 4 stars; one submission).

Allele frequency attached by ClinVar (database versions not stated): gnomAD exomes below 0.00001 and 0.00001; ExAC 0.00001; TOPMed 0.00001; gnomAD 0.00002.
gnomAD v4.1: 13 of 1,614,050 alleles (0.00081%); highest among the groups gnomAD compares: Admixed American, 0.0017%; no homozygotes.

Submission:

Labcorp Genetics (formerly Invitae), Labcorp
Classification: Uncertain significance. Last evaluated: 2025-07-28. Review status: criteria provided, single submitter. Criteria: Invitae Variant Classification Sherloc (09022015). Collection method: clinical testing. Allele origin: germline.
Comment: This sequence change replaces cysteine, which is neutral and slightly polar, with tyrosine, which is neutral and polar, at codon 846 of the LAMC3 protein (p.Cys846Tyr). This variant is not present in population databases (gnomAD no frequency). This variant has not been reported in the literature in individuals affected with LAMC3-related conditions. ClinVar contains an entry for this variant (Variation ID: 1430605). An algorithm developed to predict the effect of missense changes on protein structure and function (PolyPhen-2) suggests that this variant is likely to be disruptive. In summary, the available evidence is currently insufficient to determine the role of this variant in disease. Therefore, it has been classified as a Variant of Uncertain Significance.